The following is an entry in ClinVar:

NM_152743.4(BRAT1):c.1498+5C>T

Gene: BRAT1 (BRCA1 associated ATM activator 1; minus strand). Cytogenetic location: 7p22.3.
Variant type: single nucleotide variant.
Coding change: c.1498+5C>T on transcript NM_152743.4 (MANE Select); 5 bases into the intron after coding-DNA position 1498, C replaced by T.
Molecular consequence: intron variant.
Genome position (GRCh38, 1-based): chr7:2,539,781, G>A on the plus strand (C>T on the coding strand, the complement: BRAT1 is on the minus strand). VCF-style: chr7-2539781-G-A. GRCh37 (hg19) VCF-style: chr7-2579415-G-A.
Other names: c.973+5C>T (NM_001350627.2); c.1498+5C>T (NM_001350626.2).
Identifiers: ClinVar variation 1038332 (VCV001038332.6), dbSNP rs746669517, ClinGen allele CA4127727.
Genomic context (GRCh38, chr7:2,539,781, plus strand): 5'-CCAGCCCCTGCTGCCTCCACCCCTGCGACTCCAGCTCCGTTCACCCCTGCAAGGGGCTGC[G>A]TTACCTCTGAGGAACTGCGGGATGAGGGGGCCGAGATCAGAGCAGCCGGGGGTCTTGGGT-3'

ClinVar aggregate classification (germline): Uncertain significance (1 of 4 stars; one submission).

Conditions:
Neonatal-onset encephalopathy with rigidity and seizures. Also called: Lethal neonatal spasticity-epileptic encephalopathy syndrome. Identifiers: Orphanet 435845, MedGen C3281029, MONDO:0013784, OMIM 614498.

gnomAD v4.1: 16 of 1,609,420 alleles (0.00099%); highest among the groups gnomAD compares: East Asian, 0.0022%; no homozygotes.

Submission:

Labcorp Genetics (formerly Invitae), Labcorp
Classification: Uncertain significance for Neonatal-onset encephalopathy with rigidity and seizures. Last evaluated: 2022-02-04. Review status: criteria provided, single submitter. Criteria: Invitae Variant Classification Sherloc (09022015). Collection method: clinical testing. Allele origin: germline.
Comment: This sequence change falls in intron 11 of the BRAT1 gene. It does not directly change the encoded amino acid sequence of the BRAT1 protein. It affects a nucleotide within the consensus splice site. The frequency data for this variant in the population databases is considered unreliable, as metrics indicate poor data quality at this position in the gnomAD database. This variant has not been reported in the literature in individuals affected with BRAT1-related conditions. ClinVar contains an entry for this variant (Variation ID: 1038332). Variants that disrupt the consensus splice site are a relatively common cause of aberrant splicing (PMID: 17576681, 9536098). Algorithms developed to predict the effect of sequence changes on RNA splicing suggest that this variant is not likely to affect RNA splicing. In summary, the available evidence is currently insufficient to determine the role of this variant in disease. Therefore, it has been classified as a Variant of Uncertain Significance.

Literature cited by the submitters: PubMed 17576681; PubMed 9536098.